The following is an entry in ClinVar:

ClinVar aggregate classification (germline): Uncertain significance (1 of 4 stars; one submission).

Conditions:
EGFR-related lung cancer (EGFR). Identifiers: MedGen CN130014.

gnomAD v4.1: 1 of 1,612,838 alleles (0.000062%); highest among the groups gnomAD compares: Non-Finnish European, 0.000085%; no homozygotes.

Submission:

Labcorp Genetics (formerly Invitae), Labcorp
Classification: Uncertain significance for EGFR-related lung cancer. Last evaluated: 2026-01-31. Review status: criteria provided, single submitter. Criteria: Invitae Variant Classification Sherloc (09022015). Collection method: clinical testing. Allele origin: germline.
Comment: This sequence change replaces valine, which is neutral and non-polar, with alanine, which is neutral and non-polar, at codon 1105 of the EGFR protein (p.Val1105Ala). This variant is not present in population databases (gnomAD no frequency). This variant has not been reported in the literature in individuals affected with EGFR-related conditions. An algorithm developed to predict the effect of missense changes on protein structure and function (PolyPhen-2) suggests that this variant is likely to be tolerated. In summary, the available evidence is currently insufficient to determine the role of this variant in disease. Therefore, it has been classified as a Variant of Uncertain Significance.

NM_005228.5(EGFR):c.3314T>C (p.Val1105Ala)

Gene: EGFR (epidermal growth factor receptor; plus strand). Cytogenetic location: 7p11.2.
Variant type: single nucleotide variant.
Coding change: c.3314T>C on transcript NM_005228.5 (MANE Select); coding-DNA position 3314, T replaced by C.
Protein change: p.Val1105Ala; replaces valine 1105 with alanine.
Molecular consequence: missense variant.
Genome position (GRCh38, 1-based): chr7:55,205,298, T>C. VCF-style: chr7-55205298-T-C. GRCh37 (hg19) VCF-style: chr7-55272991-T-C.
Other names: c.3179T>C, p.Val1060Ala (NM_001346899.2); c.3155T>C, p.Val1052Ala (NM_001346900.2); c.2513T>C, p.Val838Ala (NM_001346941.2); short protein forms V1105A, V1060A, V838A, V1052A.
Identifiers: ClinVar variation 4700993 (VCV004700993.1).
Genomic context (GRCh38, chr7:55,205,298, plus strand): 5'-ATTTCTTTCCACTTTCAGAATACATAAACCAGTCCGTTCCCAAAAGGCCCGCTGGCTCTG[T>C]GCAGAATCCTGTCTATCACAATCAGCCTCTGAACCCCGCGCCCAGCAGAGACCCACACTA-3'
Protein context (NP_005219.2, residues 1095-1115): QSVPKRPAGS[Val1105Ala]QNPVYHNQPL